The following is an entry in ClinVar:

NC_000017.10:g.(?_66506858)_(66511552_?)del

Gene: PRKAR1A (protein kinase cAMP-dependent type I regulatory subunit alpha; plus strand). Cytogenetic location: 17q24.2.
Variant type: Deletion.
Identifiers: ClinVar variation 3243068 (VCV003243068.1).

ClinVar aggregate classification (germline): Pathogenic (1 of 4 stars; one submission).

Conditions:
Carney complex, type 1 (CNC1). Also called: CARNEY COMPLEX, TYPE I; CARNEY MYXOMA-ENDOCRINE COMPLEX. Identifiers: Orphanet 1359, MedGen C2607929, MONDO:0008057, OMIM 160980.

Submission:

Labcorp Genetics (formerly Invitae), Labcorp
Classification: Pathogenic for Carney complex, type 1. Last evaluated: 2023-02-21. Review status: criteria provided, single submitter. Criteria: Invitae Variant Classification Sherloc (09022015). Collection method: clinical testing. Allele origin: unknown.
Comment: This variant results in the deletion of c.-1838_12del of the PRKAR1A gene. It is expected to result in an absent or disrupted protein product. Loss-of-function variants in PRKAR1A are known to be pathogenic (PMID: 11115848, 19293268). This variant has not been reported in the literature in individuals affected with PRKAR1A-related conditions. For these reasons, this variant has been classified as Pathogenic.

Literature cited by the submitters: PubMed 11115848; PubMed 19293268.